The following is an entry in ClinVar:

NM_000702.4(ATP1A2):c.2651G>A (p.Arg884His)

Gene: ATP1A2 (ATPase Na+/K+ transporting subunit alpha 2; plus strand). Cytogenetic location: 1q23.2.
Variant type: single nucleotide variant.
Coding change: c.2651G>A on transcript NM_000702.4 (MANE Select); coding-DNA position 2651, G replaced by A.
Protein change: p.Arg884His; replaces arginine 884 with histidine.
Molecular consequence: missense variant.
Genome position (GRCh38, 1-based): chr1:160,136,657, G>A. VCF-style: chr1-160136657-G-A. GRCh37 (hg19) VCF-style: chr1-160106447-G-A.
Other names: short protein forms R884H.
Identifiers: ClinVar variation 2047933 (VCV002047933.4), dbSNP rs1463299098, ClinGen allele CA343252117.

ClinVar aggregate classification (germline): Uncertain significance (1 of 4 stars; one submission).

Conditions:
Familial hemiplegic migraine. Identifiers: MedGen C0338484, MONDO:0000700.

Allele frequency attached by ClinVar (database versions not stated): gnomAD exomes below 0.00001.
gnomAD v4.1: 6 of 1,614,250 alleles (0.00037%); highest among the groups gnomAD compares: Non-Finnish European, 0.00051%; no homozygotes.

Submission:

Labcorp Genetics (formerly Invitae), Labcorp
Classification: Uncertain significance for Familial hemiplegic migraine. Last evaluated: 2024-10-15. Review status: criteria provided, single submitter. Criteria: Invitae Variant Classification Sherloc (09022015). Collection method: clinical testing. Allele origin: germline.
Comment: This sequence change replaces arginine, which is basic and polar, with histidine, which is basic and polar, at codon 884 of the ATP1A2 protein (p.Arg884His). This variant is present in population databases (no rsID available, gnomAD 0.0009%). This variant has not been reported in the literature in individuals affected with ATP1A2-related conditions. ClinVar contains an entry for this variant (Variation ID: 2047933). Invitae Evidence Modeling of protein sequence and biophysical properties (such as structural, functional, and spatial information, amino acid conservation, physicochemical variation, residue mobility, and thermodynamic stability) indicates that this missense variant is expected to disrupt ATP1A2 protein function with a positive predictive value of 95%. In summary, the available evidence is currently insufficient to determine the role of this variant in disease. Therefore, it has been classified as a Variant of Uncertain Significance.